The following is an entry in ClinVar:

NM_002474.3(MYH11):c.633+1583T>C

Gene: MYH11 (myosin heavy chain 11; minus strand). Cytogenetic location: 16p13.11.
Variant type: single nucleotide variant.
Coding change: c.633+1583T>C on transcript NM_002474.3 (MANE Select); 1583 bases into the intron after coding-DNA position 633, T replaced by C.
Molecular consequence: intron variant.
Genome position (GRCh38, 1-based): chr16:15,785,047, A>G on the plus strand (T>C on the coding strand, the complement: MYH11 is on the minus strand). VCF-style: chr16-15785047-A-G. GRCh37 (hg19) VCF-style: chr16-15878904-A-G.
Other names: c.633+1583T>C (NM_022844.3); c.634-329T>C (NM_001040114.2, NM_001040113.2).
Identifiers: ClinVar variation 680923 (VCV000680923.2), dbSNP rs8051703, ClinGen allele CA278599584.

ClinVar aggregate classification (germline): Benign. Review status: criteria provided, multiple submitters, no conflicts (2 of 4 stars). 2 submissions from 2 submitters: Benign (2). Last evaluated 2018-06-14.

Allele frequency attached by ClinVar (database versions not stated): gnomAD exomes 0.01678; 1000 Genomes Project 0.04433; 1000 Genomes Project 30x 0.04575; TOPMed 0.05877; gnomAD 0.06112 and 0.06214.
gnomAD v4.1: 8,647 of 191,954 alleles (4.5%); highest among the groups gnomAD compares: African/African-American, 7.6%; 229 homozygotes.

Submissions (2):

GeneDx
Classification: Benign. Last evaluated: 2018-06-14. Review status: criteria provided, single submitter. Criteria: GeneDx Variant Classification (06012015). Collection method: clinical testing. Allele origin: germline. Affected: yes.
Comment: This variant is considered likely benign or benign based on one or more of the following criteria: it is a conservative change, it occurs at a poorly conserved position in the protein, it is predicted to be benign by multiple in silico algorithms, and/or has population frequency not consistent with disease.

Breakthrough Genomics
Classification: Benign. Review status: criteria provided, single submitter. Criteria: ACMG Guidelines, 2015. Collection method: not provided. Allele origin: germline. Inheritance: Autosomal recessive inheritance. Affected: yes.